The following is an entry in ClinVar:

ClinVar aggregate classification (germline): Likely pathogenic (1 of 4 stars; one submission).

Conditions:
Skeletal muscle channelopathy.

gnomAD v4.1: 1 of 1,614,154 alleles (0.000062%); highest among the groups gnomAD compares: African/African-American, 0.0013%; no homozygotes.

Submission:

Genetics Laboratory, Great Ormond Street Hospital NHS Foundation Trust, North Thames Genomic Laboratory Hub
Classification: Likely pathogenic for Skeletal muscle channelopathy. Last evaluated: 2026-01-21. Review status: criteria provided, single submitter. Criteria: ACGS Best Practice Guidelines for Variant Classification in Rare Disease 2024 v1.2. Collection method: clinical testing. Allele origin: germline. Affected: yes.
Comment: PM2_moderate, PP3_supporting, PS3_strong

NM_000083.3(CLCN1):c.1627G>A (p.Ala543Thr)

Gene: CLCN1 (chloride voltage-gated channel 1; plus strand). Cytogenetic location: 7q34.
Variant type: single nucleotide variant.
Coding change: c.1627G>A on transcript NM_000083.3 (MANE Select); coding-DNA position 1627, G replaced by A.
Protein change: p.Ala543Thr; replaces alanine 543 with threonine.
Molecular consequence: missense variant. On other transcripts: non-coding transcript variant (1).
Genome position (GRCh38, 1-based): chr7:143,341,973, G>A. VCF-style: chr7-143341973-G-A. GRCh37 (hg19) VCF-style: chr7-143039066-G-A.
Other names: short protein forms A543T.
Identifiers: ClinVar variation 4813661 (VCV004813661.1).